The following is an entry in ClinVar:

ClinVar aggregate classification (germline): Uncertain significance (1 of 4 stars; one submission).

Conditions:
Primary ciliary dyskinesia. Also called: Ciliary dyskinesia. Identifiers: Orphanet 244, MedGen C0008780, MONDO:0016575, HP:0012265.

Submission:

Labcorp Genetics (formerly Invitae), Labcorp
Classification: Uncertain significance for Primary ciliary dyskinesia. Last evaluated: 2025-12-21. Review status: criteria provided, single submitter. Criteria: Invitae Variant Classification Sherloc (09022015). Collection method: clinical testing. Allele origin: germline.
Comment: This sequence change replaces alanine, which is neutral and non-polar, with valine, which is neutral and non-polar, at codon 247 of the CCNO protein (p.Ala247Val). This variant is not present in population databases (gnomAD no frequency). This variant has not been reported in the literature in individuals affected with CCNO-related conditions. An algorithm developed to predict the effect of missense changes on protein structure and function outputs the following: PolyPhen-2: "Benign". The valine amino acid residue is found in multiple mammalian species, which suggests that this missense change does not adversely affect protein function. In summary, the available evidence is currently insufficient to determine the role of this variant in disease. Therefore, it has been classified as a Variant of Uncertain Significance.

NM_021147.5(CCNO):c.740C>T (p.Ala247Val)

Gene: CCNO (cyclin O; minus strand). Cytogenetic location: 5q11.2.
Variant type: single nucleotide variant.
Coding change: c.740C>T on transcript NM_021147.5 (MANE Select); coding-DNA position 740, C replaced by T.
Protein change: p.Ala247Val; replaces alanine 247 with valine.
Molecular consequence: missense variant. On other transcripts: non-coding transcript variant (3).
Genome position (GRCh38, 1-based): chr5:55,231,688, G>A on the plus strand (C>T on the coding strand, the complement: CCNO is on the minus strand). VCF-style: chr5-55231688-G-A. GRCh37 (hg19) VCF-style: chr5-54527516-G-A.
Other names: short protein forms A247V.
Identifiers: ClinVar variation 4744417 (VCV004744417.1).